The following is an entry in ClinVar:

ClinVar aggregate classification (germline): Benign (1 of 4 stars; one submission).

Allele frequency attached by ClinVar (database versions not stated): 1000 Genomes Project 0.05192; 1000 Genomes Project 30x 0.05231; gnomAD 0.05524 and 0.05814; TOPMed 0.05983.
gnomAD v4.1: 8,375 of 152,334 alleles (5.5%); highest among the groups gnomAD compares: African/African-American, 11%; 367 homozygotes.

Submission:

GeneDx
Classification: Benign. Last evaluated: 2018-06-14. Review status: criteria provided, single submitter. Criteria: GeneDx Variant Classification (06012015). Collection method: clinical testing. Allele origin: germline. Affected: yes.
Comment: This variant is considered likely benign or benign based on one or more of the following criteria: it is a conservative change, it occurs at a poorly conserved position in the protein, it is predicted to be benign by multiple in silico algorithms, and/or has population frequency not consistent with disease.

NM_001958.5(EEF1A2):c.621+268C>T

Gene: EEF1A2 (eukaryotic translation elongation factor 1 alpha 2; minus strand). Cytogenetic location: 20q13.33.
Variant type: single nucleotide variant.
Coding change: c.621+268C>T on transcript NM_001958.5 (MANE Select); 268 bases into the intron after coding-DNA position 621, C replaced by T.
Molecular consequence: intron variant.
Genome position (GRCh38, 1-based): chr20:63,494,537, G>A on the plus strand (C>T on the coding strand, the complement: EEF1A2 is on the minus strand). VCF-style: chr20-63494537-G-A. GRCh37 (hg19) VCF-style: chr20-62125890-G-A.
Identifiers: ClinVar variation 668130 (VCV000668130.1), dbSNP rs73918955, ClinGen allele CA317441218.